The following is an entry in ClinVar:

NM_006922.4(SCN3A):c.1060A>C (p.Lys354Gln)

Gene: SCN3A (sodium voltage-gated channel alpha subunit 3; minus strand). Cytogenetic location: 2q24.3.
Variant type: single nucleotide variant.
Coding change: c.1060A>C on transcript NM_006922.4 (MANE Select); coding-DNA position 1060, A replaced by C.
Protein change: p.Lys354Gln; replaces lysine 354 with glutamine.
Molecular consequence: missense variant.
Genome position (GRCh38, 1-based): chr2:165,155,875, T>G on the plus strand (A>C on the coding strand, the complement: SCN3A is on the minus strand). VCF-style: chr2-165155875-T-G. GRCh37 (hg19) VCF-style: chr2-166012385-T-G.
Other names: c.1060A>C, p.Lys354Gln (NM_001081676.2, NM_001081677.2); short protein forms K354Q.
Identifiers: ClinVar variation 440968 (VCV000440968.15), dbSNP rs1553535457, ClinGen allele CA349238605.

ClinVar aggregate classification (germline): Conflicting classifications of pathogenicity. Review status: criteria provided, conflicting classifications (1 of 4 stars). 5 submissions from 5 submitters: Pathogenic (1); Uncertain significance (4). Last evaluated 2026-03-12.

Conditions:
Inborn genetic diseases. Identifiers: MedGen C0950123, MeSH D030342.
Seizure. Also called: Seizures. Identifiers: MedGen C0036572, HP:0001250.
SCN3A-related disorder. Also called: SCN3A-related condition.

Allele frequency attached by ClinVar (database versions not stated): gnomAD exomes below 0.00001.
gnomAD v4.1: 1 of 1,614,130 alleles (0.000062%); highest among the groups gnomAD compares: Non-Finnish European, 0.000085%; no homozygotes.

Submissions (6):

GeneDx
Classification: Uncertain significance. Last evaluated: 2026-03-12. Review status: criteria provided, single submitter. Criteria: GeneDx Variant Classification Process June 2021. Collection method: clinical testing. Allele origin: germline.
Comment: Reported previously as a paternally inherited variant in a patient with cryptogenic partial epilepsy; the father was reportedly unaffected (PMID: 18242854); Functional studies are inconsistent in their determination of the degree to which this variant disrupts sodium channel function and neuron excitability (PMID: 20420834, 24157691, 18242854); In silico analysis supports that this missense variant has a deleterious effect on protein structure/function; Not observed at significant frequency in large population cohorts (gnomAD); This variant is associated with the following publications: (PMID: 24157691, 20420834, 29466837, 18242854, 28488083, 30370865)

Ambry Genetics
Classification: Uncertain significance for Inborn genetic diseases. Last evaluated: 2024-07-25. Review status: criteria provided, single submitter. Criteria: Ambry Variant Classification Scheme 2023. Collection method: clinical testing. Allele origin: germline.

Cytogénomique, Hospices Civils de Lyon
Classification: Pathogenic for Seizure. Last evaluated: 2024-01-26. Review status: criteria provided, single submitter. Criteria: ACMG Guidelines, 2015. Collection method: clinical testing. Allele origin: unknown. Affected: yes.

Labcorp Genetics (formerly Invitae), Labcorp
Classification: Uncertain significance. Last evaluated: 2023-11-27. Review status: criteria provided, single submitter. Criteria: Invitae Variant Classification Sherloc (09022015). Collection method: clinical testing. Allele origin: germline.
Comment: This sequence change replaces lysine, which is basic and polar, with glutamine, which is neutral and polar, at codon 354 of the SCN3A protein (p.Lys354Gln). This variant is not present in population databases (gnomAD no frequency). This missense change has been observed in individual(s) with an SCN3A-related condition (PMID: 18242854). ClinVar contains an entry for this variant (Variation ID: 440968). Advanced modeling of protein sequence and biophysical properties (such as structural, functional, and spatial information, amino acid conservation, physicochemical variation, residue mobility, and thermodynamic stability) performed at Invitae indicates that this missense variant is not expected to disrupt SCN3A protein function with a negative predictive value of 80%. Experimental studies have shown that this missense change affects SCN3A function (PMID: 18242854, 20420834, 24157691). In summary, the available evidence is currently insufficient to determine the role of this variant in disease. Therefore, it has been classified as a Variant of Uncertain Significance.

Greenwood Genetic Center Diagnostic Laboratories, Greenwood Genetic Center
Classification: Uncertain significance. Last evaluated: 2023-10-09. Review status: criteria provided, single submitter. Criteria: ACMG Guidelines, 2015. Collection method: clinical testing. Allele origin: germline. Affected: yes.
Comment: PM2, BS2

Channelopathy-Associated Epilepsy Research Center
No classification provided (evidence only). Condition: Developmental and epileptic encephalopathy. Review status: no classification provided. Collection method: literature only. Allele origin: not applicable. Functional consequence: Normal peak current, Normal voltage dependence of activation, Normal voltage dependence of fast inactivation, Normal slope of activation, Normal slope of fast inactivation, Severe increase in persistent current, Increase in ramp current, Overall gain-of-function effect with respect to biophysical channel activity. Not counted in ClinVar's aggregate classification.
ClinVar note: "not provided" was previously submitted as the classification for the variant. However, the classification appeared to be based only on an observation of functional data so it was converted to no classification on 2025-07-30.

Literature cited by the submitters: PubMed 18242854 (cited by Ambry Genetics and Labcorp Genetics (formerly Invitae), Labcorp); PubMed 20420834 (cited by 3 submitters); PubMed 24157691 (cited by Ambry Genetics and Labcorp Genetics (formerly Invitae), Labcorp).